The following is an entry in ClinVar:

ClinVar aggregate classification (germline): Benign (0 of 4 stars; one submission).

Conditions:
COL15A1-related disorder. Also called: COL15A1-related condition.

Allele frequency attached by ClinVar (database versions not stated): gnomAD 0.01357; 1000 Genomes Project 30x 0.01390; 1000 Genomes Project 0.01498; TOPMed 0.01554; ESP Exome Variant Server 0.01615.
gnomAD v4.1: 4,095 of 1,614,180 alleles (0.25%); highest among the groups gnomAD compares: African/African-American, 4.8%; 98 homozygotes.

Submission:

PreventionGenetics, part of Exact Sciences
Classification: Benign for COL15A1-related condition. Last evaluated: 2019-03-12. Review status: no assertion criteria provided. Collection method: clinical testing. Allele origin: germline.
Comment: This variant is classified as benign based on ACMG/AMP sequence variant interpretation guidelines (Richards et al. 2015 PMID: 25741868, with internal and published modifications).

NM_001855.5(COL15A1):c.139A>G (p.Ile47Val)

Gene: COL15A1 (collagen type XV alpha 1 chain; plus strand). Cytogenetic location: 9q22.33.
Variant type: single nucleotide variant.
Coding change: c.139A>G on transcript NM_001855.5 (MANE Select); coding-DNA position 139, A replaced by G.
Protein change: p.Ile47Val; replaces isoleucine 47 with valine.
Molecular consequence: missense variant.
Genome position (GRCh38, 1-based): chr9:98,985,603, A>G. VCF-style: chr9-98985603-A-G. GRCh37 (hg19) VCF-style: chr9-101747885-A-G.
Other names: short protein forms I47V.
Identifiers: ClinVar variation 3056690 (VCV003056690.2), dbSNP rs115245175, ClinGen allele CA5154468.